The following is an entry in ClinVar:

ClinVar aggregate classification (germline): Pathogenic (1 of 4 stars; one submission).

Conditions:
Glycogen storage disease, type V (GSD5). Also called: MCARDLE DISEASE; MUSCLE GLYCOGEN PHOSPHORYLASE DEFICIENCY; MYOPHOSPHORYLASE DEFICIENCY; PYGM DEFICIENCY; McArdle type glycogen storage disease. Identifiers: Orphanet 368, MedGen C0017924, MONDO:0009293, OMIM 232600.

Submission:

Myriad Genetics, Inc.
Classification: Pathogenic for Glycogen storage disease, type V. Last evaluated: 2024-08-10. Review status: criteria provided, single submitter. Criteria: Myriad Autosomal Dominant, Autosomal Recessive and X-Linked Classification Criteria (2023). Collection method: clinical testing. Allele origin: unknown.
Comment: NM_005609.2(PYGM):c.2224delG(V742Sfs*5) is expected to be pathogenic in the context of glycogen storage disease, PYGM-related. This variant is predicted to lead to an abnormal or absent protein product due to the creation of a premature termination codon in PYGM, a gene where loss-of-function variants are known to be pathogenic. Please note: this variant was assessed in the context of healthy population screening.

NM_005609.4(PYGM):c.2224del (p.Val742fs)

Gene: PYGM (glycogen phosphorylase, muscle associated; minus strand). Cytogenetic location: 11q13.1.
Variant type: Deletion.
Coding change: c.2224del on transcript NM_005609.4 (MANE Select); coding-DNA position 2224, one base deleted (G; older notation c.2224delG).
Protein change: p.Val742fs; shifts the reading frame from valine 742.
Molecular consequence: frameshift variant.
Genome position (GRCh38, 1-based): chr11:64,747,312, C deleted on the plus strand (G on the coding strand, the reverse complement: PYGM is on the minus strand); the first of 2 consecutive C bases (chr11:64,747,312-64,747,313); deleting either gives the same sequence. VCF-style (leftmost placement, unchanged base first): chr11-64747311-AC-A. GRCh37 (hg19) VCF-style: chr11-64514783-AC-A.
Other names: c.1960del, p.Val654fs (NM_001164716.1); short protein forms V654fs, V742fs.
Identifiers: ClinVar variation 5013436 (VCV005013436.1).